The following is an entry in ClinVar:

NM_018124.4(RFWD3):c.95G>A (p.Gly32Glu)

Gene: RFWD3 (ring finger and WD repeat domain 3; minus strand). Cytogenetic location: 16q23.1.
Variant type: single nucleotide variant.
Coding change: c.95G>A on transcript NM_018124.4 (MANE Select); coding-DNA position 95, G replaced by A.
Protein change: p.Gly32Glu; replaces glycine 32 with glutamic acid.
Molecular consequence: missense variant. On other transcripts: 5 prime UTR variant (4), intron variant (1).
Genome position (GRCh38, 1-based): chr16:74,661,355, C>T on the plus strand (G>A on the coding strand, the complement: RFWD3 is on the minus strand). VCF-style: chr16-74661355-C-T. GRCh37 (hg19) VCF-style: chr16-74695253-C-T.
Other names: c.95G>A, p.Gly32Glu (NM_001370535.1, NM_001370536.1, NM_001370534.1); c.-914G>A (NM_001370537.1); c.-537G>A (NM_001370539.1, NM_001370541.1); c.-791G>A (NM_001370542.1); c.-669G>A (NM_001370543.1); c.-317+3269G>A (NM_001370540.1); short protein forms G32E.
Identifiers: ClinVar variation 2526384 (VCV002526384.5), dbSNP rs533062966, ClinGen allele CA8169654.

ClinVar aggregate classification (germline): Uncertain significance. Review status: criteria provided, multiple submitters, no conflicts (2 of 4 stars). 2 submissions from 2 submitters: Uncertain significance (2). Last evaluated 2025-02-22.

gnomAD v4.1: 7 of 1,613,776 alleles (0.00043%); highest among the groups gnomAD compares: Non-Finnish European, 0.00059%; no homozygotes.

Submissions (2):

Labcorp Genetics (formerly Invitae), Labcorp
Classification: Uncertain significance. Last evaluated: 2025-02-22. Review status: criteria provided, single submitter. Criteria: Invitae Variant Classification Sherloc (09022015). Collection method: clinical testing. Allele origin: germline.
Comment: This sequence change replaces glycine, which is neutral and non-polar, with glutamic acid, which is acidic and polar, at codon 32 of the RFWD3 protein (p.Gly32Glu). This variant is present in population databases (rs533062966, gnomAD 0.002%). This variant has not been reported in the literature in individuals affected with RFWD3-related conditions. ClinVar contains an entry for this variant (Variation ID: 2526384). An algorithm developed to predict the effect of missense changes on protein structure and function (PolyPhen-2) suggests that this variant is likely to be tolerated. In summary, the available evidence is currently insufficient to determine the role of this variant in disease. Therefore, it has been classified as a Variant of Uncertain Significance.

Ambry Genetics
Classification: Uncertain significance. Last evaluated: 2023-03-17. Review status: criteria provided, single submitter. Criteria: Ambry Variant Classification Scheme 2023. Collection method: clinical testing. Allele origin: germline.